The following is an entry in ClinVar:

NM_001164277.2(SLC37A4):c.149-3C>T

Gene: SLC37A4 (solute carrier family 37 member 4; minus strand). Cytogenetic location: 11q23.3.
Variant type: single nucleotide variant.
Coding change: c.149-3C>T on transcript NM_001164277.2 (MANE Select); 3 bases into the intron before coding-DNA position 149, C replaced by T.
Molecular consequence: intron variant.
Genome position (GRCh38, 1-based): chr11:119,028,429, G>A on the plus strand (C>T on the coding strand, the complement: SLC37A4 is on the minus strand). VCF-style: chr11-119028429-G-A. GRCh37 (hg19) VCF-style: chr11-118899139-G-A.
Other names: c.-71-3C>T (NM_001164279.2); c.149-3C>T (NM_001467.6, NM_001164278.2, NM_001164280.2).
Identifiers: ClinVar variation 556707 (VCV000556707.5), dbSNP rs782625122, ClinGen allele CA6311895.

ClinVar aggregate classification (germline): Uncertain significance. Review status: criteria provided, multiple submitters, no conflicts (2 of 4 stars). 3 submissions from 3 submitters: Uncertain significance (2). 1 of the submissions does not count toward it. Last evaluated 2022-08-08.

Conditions:
Phosphate transport defect (GSD1C). Also called: GSD Ic; GLYCOGEN STORAGE DISEASE Ic. Identifiers: Orphanet 364, Orphanet 79259, MedGen C0342749, OMIM 232240.
Glucose-6-phosphate transport defect (GSD1B). Also called: Glycogen Storage Disease Type Ib; GSD Ib. Identifiers: Orphanet 364, Orphanet 79259, MedGen C0268146, MONDO:0009288, OMIM 232220.
Congenital disorder of glycosylation, type IIw. Identifiers: MedGen C5561986, MONDO:0030437, OMIM 619525.

Allele frequency attached by ClinVar (database versions not stated): ExAC below 0.00001; gnomAD exomes below 0.00001; gnomAD 0.00001.

Submissions (3):

Labcorp Genetics (formerly Invitae), Labcorp
Classification: Uncertain significance for Glucose-6-phosphate transport defect. Last evaluated: 2022-08-08. Review status: criteria provided, single submitter. Criteria: Invitae Variant Classification Sherloc (09022015). Collection method: clinical testing. Allele origin: germline.
Comment: This sequence change falls in intron 3 of the SLC37A4 gene. It does not directly change the encoded amino acid sequence of the SLC37A4 protein. It affects a nucleotide within the consensus splice site. This variant is not present in population databases (gnomAD no frequency). This variant has not been reported in the literature in individuals affected with SLC37A4-related conditions. ClinVar contains an entry for this variant (Variation ID: 556707). Variants that disrupt the consensus splice site are a relatively common cause of aberrant splicing (PMID: 17576681, 9536098). Experimental studies and prediction algorithms are not available or were not evaluated, and the effect of this variant on mRNA splicing is currently unknown. In summary, the available evidence is currently insufficient to determine the role of this variant in disease. Therefore, it has been classified as a Variant of Uncertain Significance.

Fulgent Genetics
Classification: Uncertain significance for Glucose-6-phosphate transport defect; Phosphate transport defect; Congenital disorder of glycosylation, type IIw. Last evaluated: 2021-11-19. Review status: criteria provided, single submitter. Criteria: ACMG Guidelines, 2015. Collection method: clinical testing. Allele origin: unknown.

Counsyl
Classification: Uncertain significance for Glucose-6-phosphate transport defect. Last evaluated: 2018-02-14. Review status: no assertion criteria provided. Collection method: clinical testing. Allele origin: unknown. Not counted in ClinVar's aggregate classification.

Literature cited by the submitters: PubMed 17576681 (cited by Labcorp Genetics (formerly Invitae), Labcorp); PubMed 9536098 (cited by Labcorp Genetics (formerly Invitae), Labcorp).